The following is an entry in ClinVar:

NM_003900.5(SQSTM1):c.995C>T (p.Ser332Leu)

Gene: SQSTM1 (sequestosome 1; plus strand). Cytogenetic location: 5q35.3.
Variant type: single nucleotide variant.
Coding change: c.995C>T on transcript NM_003900.5 (MANE Select); coding-DNA position 995, C replaced by T.
Protein change: p.Ser332Leu; replaces serine 332 with leucine.
Molecular consequence: missense variant.
Genome position (GRCh38, 1-based): chr5:179,833,612, C>T. VCF-style: chr5-179833612-C-T. GRCh37 (hg19) VCF-style: chr5-179260612-C-T.
Other names: c.743C>T, p.Ser248Leu (NM_001142298.2, NM_001142299.2); short protein forms S332L, S248L.
Identifiers: ClinVar variation 647353 (VCV000647353.8), dbSNP rs1185406298, ClinGen allele CA362452407.

ClinVar aggregate classification (germline): Uncertain significance (1 of 4 stars; one submission).

Conditions:
Frontotemporal dementia and/or amyotrophic lateral sclerosis 1 (FTDALS1). Also called: C9orf72 Frontotemporal Dementia and/or Amyotrophic Lateral Sclerosis; Frontotemporal dementia with motor neuron disease 1. Identifiers: Orphanet 275872, MedGen C5779877, MONDO:0007105, OMIM 105550.
Paget disease of bone 2, early-onset (PDB2). Also called: Paget disease of bone 2. Identifiers: MedGen C4085251, MONDO:0011183, OMIM 602080.

gnomAD v4.1: 1 of 1,614,132 alleles (0.000062%); highest among the groups gnomAD compares: Non-Finnish European, 0.000085%; no homozygotes.

Submission:

Labcorp Genetics (formerly Invitae), Labcorp
Classification: Uncertain significance for Paget disease of bone 2, early-onset; Frontotemporal dementia and/or amyotrophic lateral sclerosis 1. Last evaluated: 2022-02-24. Review status: criteria provided, single submitter. Criteria: Invitae Variant Classification Sherloc (09022015). Collection method: clinical testing. Allele origin: germline.
Comment: This sequence change replaces serine, which is neutral and polar, with leucine, which is neutral and non-polar, at codon 332 of the SQSTM1 protein (p.Ser332Leu). This variant is not present in population databases (gnomAD no frequency). This variant has not been reported in the literature in individuals affected with SQSTM1-related conditions. ClinVar contains an entry for this variant (Variation ID: 647353). Algorithms developed to predict the effect of missense changes on protein structure and function are either unavailable or do not agree on the potential impact of this missense change (SIFT: "Deleterious"; PolyPhen-2: "Benign"; Align-GVGD: "Class C0"). In summary, the available evidence is currently insufficient to determine the role of this variant in disease. Therefore, it has been classified as a Variant of Uncertain Significance.